The following is an entry in ClinVar:

NM_201269.3(ZNF644):c.1212C>T (p.Thr404=)

Gene: ZNF644 (zinc finger protein 644; minus strand). Cytogenetic location: 1p22.2.
Variant type: single nucleotide variant.
Coding change: c.1212C>T on transcript NM_201269.3 (MANE Select); coding-DNA position 1212, C replaced by T.
Protein change: p.Thr404=; no amino-acid change (threonine 404 retained).
Molecular consequence: synonymous variant. On other transcripts: intron variant (2).
Genome position (GRCh38, 1-based): chr1:90,940,142, G>A on the plus strand (C>T on the coding strand, the complement: ZNF644 is on the minus strand). VCF-style: chr1-90940142-G-A. GRCh37 (hg19) VCF-style: chr1-91405699-G-A.
Other names: c.23-21988C>T (NM_032186.5, NM_016620.4).
Identifiers: ClinVar variation 3057105 (VCV003057105.2), dbSNP rs41286763, ClinGen allele CA945137.

ClinVar aggregate classification (germline): Benign (0 of 4 stars; one submission).

Conditions:
ZNF644-related disorder. Also called: ZNF644-related condition.

Allele frequency attached by ClinVar (database versions not stated): TOPMed 0.01098; gnomAD 0.01113; 1000 Genomes Project 30x 0.01140; ESP Exome Variant Server 0.01161; 1000 Genomes Project 0.01238; ExAC 0.01488; gnomAD exomes 0.01550.
gnomAD v4.1: 24,377 of 1,613,806 alleles (1.5%); highest among the groups gnomAD compares: Middle Eastern, 3.6%; 249 homozygotes.

Submission:

PreventionGenetics, part of Exact Sciences
Classification: Benign for ZNF644-related condition. Last evaluated: 2019-03-20. Review status: no assertion criteria provided. Collection method: clinical testing. Allele origin: germline.
Comment: This variant is classified as benign based on ACMG/AMP sequence variant interpretation guidelines (Richards et al. 2015 PMID: 25741868, with internal and published modifications).